The following is an entry in ClinVar:

ClinVar aggregate classification (germline): Conflicting classifications of pathogenicity. Review status: criteria provided, conflicting classifications (1 of 4 stars). 3 submissions from 3 submitters: Uncertain significance (2); Likely benign (1). Last evaluated 2025-09-02.

Conditions:
Orthostatic hypotension 1 (ORTHYP1). Also called: Dopamine beta-hydroxylase deficiency; Orthostatic hypotension 1, due to DBH deficiency; NORADRENALINE DEFICIENCY; NOREPINEPHRINE DEFICIENCY. Identifiers: Orphanet 230, MedGen C4746777, MONDO:0009123, OMIM 223360.
Inborn genetic diseases. Identifiers: MedGen C0950123, MeSH D030342.

Allele frequency attached by ClinVar (database versions not stated): gnomAD exomes below 0.00001 and 0.00001.

Submissions (3):

Labcorp Genetics (formerly Invitae), Labcorp
Classification: Uncertain significance for Orthostatic hypotension 1. Last evaluated: 2025-09-02. Review status: criteria provided, single submitter. Criteria: Invitae Variant Classification Sherloc (09022015). Collection method: clinical testing. Allele origin: germline.
Comment: This sequence change replaces valine, which is neutral and non-polar, with alanine, which is neutral and non-polar, at codon 136 of the DBH protein (p.Val136Ala). This variant is present in population databases (no rsID available, gnomAD 0.007%). This variant has not been reported in the literature in individuals affected with DBH-related conditions. ClinVar contains an entry for this variant (Variation ID: 365636). Invitae Evidence Modeling of protein sequence and biophysical properties (such as structural, functional, and spatial information, amino acid conservation, physicochemical variation, residue mobility, and thermodynamic stability) indicates that this missense variant is not expected to disrupt DBH protein function with a negative predictive value of 80%. In summary, the available evidence is currently insufficient to determine the role of this variant in disease. Therefore, it has been classified as a Variant of Uncertain Significance.

Ambry Genetics
Classification: Likely benign for Inborn genetic diseases. Last evaluated: 2023-12-11. Review status: criteria provided, single submitter. Criteria: Ambry Variant Classification Scheme 2023. Collection method: clinical testing. Allele origin: germline.

Illumina Laboratory Services, Illumina
Classification: Uncertain significance for Orthostatic hypotension 1. Last evaluated: 2018-01-13. Review status: criteria provided, single submitter. Criteria: ICSL Variant Classification Criteria 13 December 2019. Collection method: clinical testing. Allele origin: germline.

NM_000787.4(DBH):c.407T>C (p.Val136Ala)

Gene: DBH (dopamine beta-hydroxylase; plus strand). Cytogenetic location: 9q34.2.
Variant type: single nucleotide variant.
Coding change: c.407T>C on transcript NM_000787.4 (MANE Select); coding-DNA position 407, T replaced by C.
Protein change: p.Val136Ala; replaces valine 136 with alanine.
Molecular consequence: missense variant.
Genome position (GRCh38, 1-based): chr9:133,639,913, T>C. VCF-style: chr9-133639913-T-C. GRCh37 (hg19) VCF-style: chr9-136505035-T-C.
Other names: short protein forms V136A.
Identifiers: ClinVar variation 365636 (VCV000365636.14), dbSNP rs886063657, ClinGen allele CA10626766.